The following is an entry in ClinVar:

NM_015559.3(SETBP1):c.1553T>C (p.Leu518Pro)

Gene: SETBP1 (SET binding protein 1; plus strand). Cytogenetic location: 18q12.3.
Variant type: single nucleotide variant.
Coding change: c.1553T>C on transcript NM_015559.3 (MANE Select); coding-DNA position 1553, T replaced by C.
Protein change: p.Leu518Pro; replaces leucine 518 with proline.
Molecular consequence: missense variant.
Genome position (GRCh38, 1-based): chr18:44,950,893, T>C. VCF-style: chr18-44950893-T-C. GRCh37 (hg19) VCF-style: chr18-42530858-T-C.
Other names: c.1553T>C, p.Leu518Pro (NM_001379141.1, NM_001379142.1, NM_001410862.1); short protein forms L518P.
Identifiers: ClinVar variation 3009586 (VCV003009586.3), dbSNP rs767337421, ClinGen allele CA8945643.

ClinVar aggregate classification (germline): Uncertain significance (1 of 4 stars; one submission).

Allele frequency attached by ClinVar (database versions not stated): gnomAD exomes 0.00001; ExAC 0.00002.
gnomAD v4.1: 5 of 1,614,144 alleles (0.00031%); highest among the groups gnomAD compares: Non-Finnish European, 0.00042%; no homozygotes.

Submission:

Labcorp Genetics (formerly Invitae), Labcorp
Classification: Uncertain significance. Last evaluated: 2023-07-03. Review status: criteria provided, single submitter. Criteria: Invitae Variant Classification Sherloc (09022015). Collection method: clinical testing. Allele origin: germline.
Comment: This sequence change replaces leucine, which is neutral and non-polar, with proline, which is neutral and non-polar, at codon 518 of the SETBP1 protein (p.Leu518Pro). This variant is present in population databases (rs767337421, gnomAD 0.003%). This variant has not been reported in the literature in individuals affected with SETBP1-related conditions. Advanced modeling of protein sequence and biophysical properties (such as structural, functional, and spatial information, amino acid conservation, physicochemical variation, residue mobility, and thermodynamic stability) performed at Invitae indicates that this missense variant is not expected to disrupt SETBP1 protein function. In summary, the available evidence is currently insufficient to determine the role of this variant in disease. Therefore, it has been classified as a Variant of Uncertain Significance.